The following is an entry in ClinVar:

NM_002198.3(IRF1):c.415-10C>T

Genes: IRF1 (interferon regulatory factor 1; minus strand), LOC126807508 (CDK7 strongly-dependent group 2 enhancer GRCh37_chr5:131821689-131822888; plus strand). Cytogenetic location: 5q31.1.
Variant type: single nucleotide variant.
Coding change: c.415-10C>T on transcript NM_002198.3 (MANE Select); 10 bases into the intron before coding-DNA position 415, C replaced by T.
Molecular consequence: intron variant.
Genome position (GRCh38, 1-based): chr5:132,486,696, G>A on the plus strand (C>T on the coding strand, the complement: IRF1 is on the minus strand). VCF-style: chr5-132486696-G-A. GRCh37 (hg19) VCF-style: chr5-131822388-G-A.
Other names: c.415-10C>T (NM_001354924.1, NM_001354925.1).
Identifiers: ClinVar variation 3034336 (VCV003034336.2), dbSNP rs201796901, ClinGen allele CA3404598.
Genomic context (GRCh38, chr5:132,486,696, plus strand): 5'-GGAGCTGCTGAGTCCATCAGAGAAGGTATCAGGGCTGGAATCCCCACATGACTGTCGAGG[G>A]AGAAAGCAGCTTAGGCCCAGGCCCACCTTAGCATTTCTTCCACTGCTCACCCTGGCCCAC-3'

ClinVar aggregate classification (germline): Likely benign (0 of 4 stars; one submission).

Conditions:
IRF1-related disorder. Also called: IRF1-related condition.

Allele frequency attached by ClinVar (database versions not stated): gnomAD 0.00006; ESP Exome Variant Server 0.00008; TOPMed 0.00011; 1000 Genomes Project 30x 0.00016; 1000 Genomes Project 0.00020; ExAC 0.00038.
gnomAD v4.1: 139 of 1,613,862 alleles (0.0086%); highest among the groups gnomAD compares: Admixed American, 0.13%; 1 homozygote.

Submission:

PreventionGenetics, part of Exact Sciences
Classification: Likely benign for IRF1-related condition. Last evaluated: 2019-06-10. Review status: no assertion criteria provided. Collection method: clinical testing. Allele origin: germline.
Comment: This variant is classified as likely benign based on ACMG/AMP sequence variant interpretation guidelines (Richards et al. 2015 PMID: 25741868, with internal and published modifications).